The following is an entry in ClinVar:

NM_005379.4(MYO1A):c.907G>A (p.Gly303Arg)

Gene: MYO1A (myosin IA; minus strand). Cytogenetic location: 12q13.3.
Variant type: single nucleotide variant.
Coding change: c.907G>A on transcript NM_005379.4 (MANE Select); coding-DNA position 907, G replaced by A.
Protein change: p.Gly303Arg; replaces glycine 303 with arginine.
Molecular consequence: missense variant.
Genome position (GRCh38, 1-based): chr12:57,043,344, C>T on the plus strand (G>A on the coding strand, the complement: MYO1A is on the minus strand). VCF-style: chr12-57043344-C-T. GRCh37 (hg19) VCF-style: chr12-57437128-C-T.
Other names: c.907G>A, p.Gly303Arg (NM_001256041.2); short protein forms G303R.
Identifiers: ClinVar variation 2643107 (VCV002643107.24), dbSNP rs2030948543, ClinGen allele CA385386320.

ClinVar aggregate classification (germline): Uncertain significance (1 of 4 stars; one submission).

Allele frequency attached by ClinVar (database versions not stated): TOPMed below 0.00001; gnomAD exomes 0.00001.

Submission:

CeGaT Center for Human Genetics Tuebingen
Classification: Uncertain significance. Last evaluated: 2024-01-01. Review status: criteria provided, single submitter. Criteria: CeGaT Center For Human Genetics Tuebingen Variant Classification Criteria Version 2. Collection method: clinical testing. Allele origin: germline. Affected: yes. Observed: 1 variant allele.
Comment: MYO1A: PM2